The following is an entry in ClinVar:

NM_007294.4(BRCA1):c.2639_2646delinsG (p.Glu880fs)

Gene: BRCA1 (BRCA1 DNA repair associated; minus strand). Cytogenetic location: 17q21.31.
Variant type: Indel.
Coding change: c.2639_2646delinsG on transcript NM_007294.4 (MANE Select); coding-DNA positions 2639 to 2646, AGGAATGT replaced by G.
Protein change: p.Glu880fs; shifts the reading frame from glutamic acid 880.
Molecular consequence: frameshift variant. On other transcripts: intron variant (137).
Genome position (GRCh38, 1-based): chr17:43,092,885-43,092,892, ACATTCCT replaced by C on the plus strand (AGGAATGT replaced by G on the coding strand, the reverse complement: BRCA1 is on the minus strand). VCF-style: chr17-43092885-ACATTCCT-C. GRCh37 (hg19) VCF-style: chr17-41244902-ACATTCCT-C.
Other names: c.787+1852_788-1853delinsG (NM_007298.4, NM_001407978.1, NM_001407979.1 and 17 more transcripts); c.643+1852_644-1853delinsG (NM_001408462.1, NM_001408465.1, NM_001408463.1 and 3 more transcripts); c.709+1852_710-1853delinsG (NM_001408414.1, NM_001408411.1, NM_001408415.1 and 2 more transcripts); c.577+1852_578-1853delinsG (NM_001408514.1, NM_001408485.1, NM_001408483.1 and 9 more transcripts); c.661+1852_662-1853delinsG (NM_001408447.1, NM_001408433.1, NM_001408445.1 and 6 more transcripts); c.784+1852_785-1853delinsG (NM_001408400.1, NM_001408392.1, NM_001407986.1 and 13 more transcripts); c.664+1852_665-1853delinsG (NM_001408441.1, NM_001408437.1, NM_001408429.1 and 12 more transcripts); c.646+1852_647-1853delinsG (NM_001408410.1, NM_001408454.1, NM_001408456.1 and 11 more transcripts); and 41 more; short protein forms E768fs, E791fs, E809fs, E812fs, E833fs, E838fs, E853fs, E854fs.
Identifiers: ClinVar variation 4842655 (VCV004842655.1).

ClinVar aggregate classification (germline): Pathogenic (1 of 4 stars; one submission).

Conditions:
Hereditary cancer-predisposing syndrome. Also called: Neoplastic Syndromes, Hereditary; Tumor predisposition; Hereditary Cancer Syndrome; Hereditary neoplastic syndrome. Identifiers: Orphanet 140162, MedGen C0027672, MeSH D009386, MONDO:0015356.

Submission:

Ambry Genetics
Classification: Pathogenic for Hereditary cancer-predisposing syndrome. Last evaluated: 2026-01-13. Review status: criteria provided, single submitter. Criteria: Ambry Variant Classification Scheme 2023. Collection method: clinical testing. Allele origin: germline.
Comment: The c.2639_2646delAGGAATGTinsG pathogenic mutation, located in coding exon 9 of the BRCA1 gene, results from the deletion of 8 nucleotides and insertion of one nucleotide causing a translational frameshift with a predicted alternate stop codon (p.E880Gfs*11). This variant is considered to be rare based on population cohorts in the Genome Aggregation Database (gnomAD). This alteration is expected to result in loss of function by premature protein truncation or nonsense-mediated mRNA decay. As such, this alteration is interpreted as a disease-causing mutation.